The following is an entry in ClinVar:

NM_001365999.1(SZT2):c.2905C>T (p.Pro969Ser)

Gene: SZT2 (SZT2 subunit of KICSTOR complex; plus strand). Cytogenetic location: 1p34.2.
Variant type: single nucleotide variant.
Coding change: c.2905C>T on transcript NM_001365999.1 (MANE Select); coding-DNA position 2905, C replaced by T.
Protein change: p.Pro969Ser; replaces proline 969 with serine.
Molecular consequence: missense variant.
Genome position (GRCh38, 1-based): chr1:43,425,925, C>T. VCF-style: chr1-43425925-C-T. GRCh37 (hg19) VCF-style: chr1-43891596-C-T.
Other names: c.2905C>T, p.Pro969Ser (NM_015284.4); c.2905C>T (NM_015284.3); short protein forms P969S.
Identifiers: ClinVar variation 2115861 (VCV002115861.4), dbSNP rs1653086688, ClinGen allele CA340015828.
Genomic context (GRCh38, chr1:43,425,925, plus strand): 5'-TCCATGCTGAGCTTTGAATACCTGATACAGCTGTGTCAGAGCAAGGAATGGGGTCCTCTG[C>T]CCCCAGAGCCGAGGGTCTCTGATGGTGAGTGGGGCAGGCGGCCCACTGGTGGAGCAGGGG-3'
Protein context (NP_001352928.1, residues 959-979): LCQSKEWGPL[Pro969Ser]PEPRVSDGLD

ClinVar aggregate classification (germline): Uncertain significance. Review status: criteria provided, multiple submitters, no conflicts (2 of 4 stars). 2 submissions from 2 submitters: Uncertain significance (2). Last evaluated 2025-01-01.

Conditions:
Inborn genetic diseases. Identifiers: MedGen C0950123, MeSH D030342.

Submissions (2):

Ambry Genetics
Classification: Uncertain significance for Inborn genetic diseases. Last evaluated: 2025-01-01. Review status: criteria provided, single submitter. Criteria: Ambry Variant Classification Scheme 2023. Collection method: clinical testing. Allele origin: germline.

Labcorp Genetics (formerly Invitae), Labcorp
Classification: Uncertain significance. Last evaluated: 2022-05-29. Review status: criteria provided, single submitter. Criteria: Invitae Variant Classification Sherloc (09022015). Collection method: clinical testing. Allele origin: germline.
Comment: This variant is not present in population databases (gnomAD no frequency). In summary, the available evidence is currently insufficient to determine the role of this variant in disease. Therefore, it has been classified as a Variant of Uncertain Significance. Algorithms developed to predict the effect of missense changes on protein structure and function are either unavailable or do not agree on the potential impact of this missense change (SIFT: "Tolerated"; PolyPhen-2: "Possibly Damaging"; Align-GVGD: "Class C0"). This variant has not been reported in the literature in individuals affected with SZT2-related conditions. This sequence change replaces proline, which is neutral and non-polar, with serine, which is neutral and polar, at codon 969 of the SZT2 protein (p.Pro969Ser).